The following is an entry in ClinVar:

NM_001289808.2(CRYAB):c.205C>T (p.Arg69Cys)

Gene: CRYAB (crystallin alpha B; minus strand). Cytogenetic location: 11q23.1.
Variant type: single nucleotide variant.
Coding change: c.205C>T on transcript NM_001289808.2 (MANE Select); coding-DNA position 205, C replaced by T.
Protein change: p.Arg69Cys; replaces arginine 69 with cysteine.
Molecular consequence: missense variant.
Genome position (GRCh38, 1-based): chr11:111,910,446, G>A on the plus strand (C>T on the coding strand, the complement: CRYAB is on the minus strand). VCF-style: chr11-111910446-G-A. GRCh37 (hg19) VCF-style: chr11-111781170-G-A.
Other names: c.205C>T, p.Arg69Cys (NM_001289807.1, NM_001368245.1, NM_001885.3); c.4C>T, p.Arg2Cys (NM_001330379.1, NM_001368246.1); c.205C>T (NM_001885.1); short protein forms R69C, R2C.
Identifiers: ClinVar variation 570808 (VCV000570808.9), dbSNP rs139750142, ClinGen allele CA6275538.
Genomic context (GRCh38, chr11:111,910,446, plus strand): 5'-GTTCCTCTGGGGAGAAGTGCTTCACATCCAGGTTGACAGAGAACCTGTCCTTCTCCAGGC[G>A]CATCTAGAAATAGCAAGGTAAGGGAATGGGATGGGAGAAAGAGGGCAAAAATACTGATTA-3'
Protein context (NP_001276737.1, residues 59-79): SWFDTGLSEM[Arg69Cys]LEKDRFSVNL

ClinVar aggregate classification (germline): Uncertain significance. Review status: criteria provided, multiple submitters, no conflicts (2 of 4 stars). 2 submissions from 2 submitters: Uncertain significance (2). Last evaluated 2025-02-25.

Conditions:
Cardiovascular phenotype. Identifiers: MedGen CN230736.
Dilated cardiomyopathy 1II (CMD1II). Identifiers: Orphanet 154, MedGen C3554649, MONDO:0014073, OMIM 615184.

Allele frequency attached by ClinVar (database versions not stated): TOPMed 0.00006; ESP Exome Variant Server 0.00008; 1000 Genomes Project 30x 0.00031; 1000 Genomes Project 0.00020.

Submissions (2):

Ambry Genetics
Classification: Uncertain significance for Cardiovascular phenotype. Last evaluated: 2025-02-25. Review status: criteria provided, single submitter. Criteria: Ambry Variant Classification Scheme 2023. Collection method: clinical testing. Allele origin: germline.
Comment: The p.R69C variant (also known as c.205C>T), located in coding exon 2 of the CRYAB gene, results from a C to T substitution at nucleotide position 205. The arginine at codon 69 is replaced by cysteine, an amino acid with highly dissimilar properties. This variant was reported in individual(s) with features consistent with congenital cataracts (Sun W et al. Mol Vis, 2011 Aug;17:2197-206). In an assay testing CRYAB function, this variant showed a functionally abnormal result (Ghahramani M et al. Int J Biol Macromol, 2020 Mar;146:1142-1160). This amino acid position is well conserved in available vertebrate species. In addition, this alteration is predicted to be deleterious by in silico analysis. Based on the available evidence, the clinical significance of this variant remains unclear.

Labcorp Genetics (formerly Invitae), Labcorp
Classification: Uncertain significance for Dilated cardiomyopathy 1II. Last evaluated: 2023-12-09. Review status: criteria provided, single submitter. Criteria: Invitae Variant Classification Sherloc (09022015). Collection method: clinical testing. Allele origin: germline.
Comment: This sequence change replaces arginine, which is basic and polar, with cysteine, which is neutral and slightly polar, at codon 69 of the CRYAB protein (p.Arg69Cys). The frequency data for this variant in the population databases is considered unreliable, as metrics indicate poor data quality at this position in the gnomAD database. This missense change has been observed in individual(s) with congenital cataracts (PMID: 21866213). ClinVar contains an entry for this variant (Variation ID: 570808). An algorithm developed to predict the effect of missense changes on protein structure and function (PolyPhen-2) suggests that this variant is likely to be disruptive. Experimental studies have shown that this missense change affects CRYAB function (PMID: 31678106). In summary, the available evidence is currently insufficient to determine the role of this variant in disease. Therefore, it has been classified as a Variant of Uncertain Significance.

Literature cited by the submitters: PubMed 21866213 (cited by Ambry Genetics and Labcorp Genetics (formerly Invitae), Labcorp); PubMed 31678106 (cited by Ambry Genetics and Labcorp Genetics (formerly Invitae), Labcorp).